The following is an entry in ClinVar:

NM_001271.4(CHD2):c.2175G>C (p.Gln725His)

Gene: CHD2 (chromodomain helicase DNA binding protein 2; plus strand). Cytogenetic location: 15q26.1.
Variant type: single nucleotide variant.
Coding change: c.2175G>C on transcript NM_001271.4 (MANE Select); coding-DNA position 2175, G replaced by C.
Protein change: p.Gln725His; replaces glutamine 725 with histidine.
Molecular consequence: missense variant.
Genome position (GRCh38, 1-based): chr15:92,967,499, G>C. VCF-style: chr15-92967499-G-C. GRCh37 (hg19) VCF-style: chr15-93510729-G-C.
Other names: short protein forms Q725H.
Identifiers: ClinVar variation 2702275 (VCV002702275.3), dbSNP rs2505516000, ClinGen allele CA393907385.

ClinVar aggregate classification (germline): Likely pathogenic (1 of 4 stars; one submission).

Conditions:
Developmental and epileptic encephalopathy 94 (DEE94). Also called: CHD2-Related Neurodevelopmental Disorders; Epileptic encephalopathy, childhood-onset. Identifiers: Orphanet 1942, Orphanet 2382, MedGen C3809278, MONDO:0014150, OMIM 615369.

Submission:

Labcorp Genetics (formerly Invitae), Labcorp
Classification: Likely pathogenic for Developmental and epileptic encephalopathy 94. Last evaluated: 2025-11-24. Review status: criteria provided, single submitter. Criteria: Invitae Variant Classification Sherloc (09022015). Collection method: clinical testing. Allele origin: germline.
Comment: This sequence change replaces glutamine, which is neutral and polar, with histidine, which is basic and polar, at codon 725 of the CHD2 protein (p.Gln725His). This variant is not present in population databases (gnomAD no frequency). This missense change has been observed in individual(s) with CHD2-related conditions (internal data). In at least one individual the variant was observed to be de novo. ClinVar contains an entry for this variant (Variation ID: 2702275). Invitae Evidence Modeling of protein sequence and biophysical properties (such as structural, functional, and spatial information, amino acid conservation, physicochemical variation, residue mobility, and thermodynamic stability) has been performed for this missense variant. However, the output from this modeling did not meet the statistical confidence thresholds required to predict the impact of this variant on CHD2 protein function. In summary, the currently available evidence indicates that the variant is pathogenic, but additional data are needed to prove that conclusively. Therefore, this variant has been classified as Likely Pathogenic.